The following is an entry in ClinVar:

NM_138420.4(AHNAK2):c.3396C>T (p.Asp1132=)

Gene: AHNAK2 (AHNAK nucleoprotein 2; minus strand). Cytogenetic location: 14q32.33.
Variant type: single nucleotide variant.
Coding change: c.3396C>T on transcript NM_138420.4 (MANE Select); coding-DNA position 3396, C replaced by T.
Protein change: p.Asp1132=; no amino-acid change (aspartic acid 1132 retained).
Molecular consequence: synonymous variant.
Genome position (GRCh38, 1-based): chr14:104,952,055, G>A on the plus strand (C>T on the coding strand, the complement: AHNAK2 is on the minus strand). VCF-style: chr14-104952055-G-A. GRCh37 (hg19) VCF-style: chr14-105418392-G-A.
Other names: c.3096C>T, p.Asp1032= (NM_001350929.2).
Identifiers: ClinVar variation 4821534 (VCV004821534.4).

ClinVar aggregate classification (germline): Likely benign (1 of 4 stars; one submission).

Submission:

CeGaT Center for Human Genetics Tuebingen
Classification: Likely benign. Last evaluated: 2026-04-01. Review status: criteria provided, single submitter. Criteria: CeGaT Center For Human Genetics Tuebingen Variant Classification Criteria Version 2. Collection method: clinical testing. Allele origin: germline. Affected: yes. Observed: 2 variant alleles.
Comment: AHNAK2: BP4, BP7